The following is an entry in ClinVar:

NM_004946.3(DOCK2):c.335A>G (p.Glu112Gly)

Gene: DOCK2 (dedicator of cytokinesis 2; plus strand). Cytogenetic location: 5q35.1.
Variant type: single nucleotide variant.
Coding change: c.335A>G on transcript NM_004946.3 (MANE Select); coding-DNA position 335, A replaced by G.
Protein change: p.Glu112Gly; replaces glutamic acid 112 with glycine.
Molecular consequence: missense variant. On other transcripts: non-coding transcript variant (1).
Genome position (GRCh38, 1-based): chr5:169,674,310, A>G. VCF-style: chr5-169674310-A-G. GRCh37 (hg19) VCF-style: chr5-169101314-A-G.
Other names: short protein forms E112G.
Identifiers: ClinVar variation 1986411 (VCV001986411.3), dbSNP rs776741593, ClinGen allele CA132000522.

ClinVar aggregate classification (germline): Uncertain significance (1 of 4 stars; one submission).

Conditions:
DOCK2 deficiency. Also called: Immunodeficiency 40. Identifiers: Orphanet 447737, MedGen C4225328, MONDO:0014637, OMIM 616433.

Allele frequency attached by ClinVar (database versions not stated): gnomAD exomes 0.00001.
gnomAD v4.1: 13 of 1,614,014 alleles (0.00081%); highest among the groups gnomAD compares: Non-Finnish European, 0.0011%; no homozygotes.

Submission:

Labcorp Genetics (formerly Invitae), Labcorp
Classification: Uncertain significance for DOCK2 deficiency. Last evaluated: 2024-02-16. Review status: criteria provided, single submitter. Criteria: Invitae Variant Classification Sherloc (09022015). Collection method: clinical testing. Allele origin: germline.
Comment: This sequence change replaces glutamic acid, which is acidic and polar, with glycine, which is neutral and non-polar, at codon 112 of the DOCK2 protein (p.Glu112Gly). This variant is not present in population databases (gnomAD no frequency). This variant has not been reported in the literature in individuals affected with DOCK2-related conditions. ClinVar contains an entry for this variant (Variation ID: 1986411). An algorithm developed to predict the effect of missense changes on protein structure and function (PolyPhen-2) suggests that this variant is likely to be tolerated. In summary, the available evidence is currently insufficient to determine the role of this variant in disease. Therefore, it has been classified as a Variant of Uncertain Significance.